The following is an entry in ClinVar:

ClinVar aggregate classification (germline): Uncertain significance (1 of 4 stars; one submission).

Conditions:
Hypertrophic cardiomyopathy. Also called: HYPERTROPHIC MYOCARDIOPATHY. Identifiers: Orphanet 217569, MedGen C0007194, MeSH D002312, MONDO:0005045, HP:0001639.

Allele frequency attached by ClinVar (database versions not stated): gnomAD 0.00002; gnomAD exomes 0.00002 and 0.00003; TOPMed 0.00002.

Submission:

Labcorp Genetics (formerly Invitae), Labcorp
Classification: Uncertain significance for Hypertrophic cardiomyopathy. Last evaluated: 2026-01-14. Review status: criteria provided, single submitter. Criteria: Invitae Variant Classification Sherloc (09022015). Collection method: clinical testing. Allele origin: germline.
Comment: This sequence change falls in intron 31 of the MYOM1 gene. It does not directly change the encoded amino acid sequence of the MYOM1 protein. It affects a nucleotide within the consensus splice site. The frequency data for this variant in the population databases is considered unreliable, as metrics indicate poor data quality at this position in the gnomAD database. This variant has not been reported in the literature in individuals affected with MYOM1-related conditions. ClinVar contains an entry for this variant (Variation ID: 1413402). Variants that disrupt the consensus splice site are a relatively common cause of aberrant splicing (PMID: 17576681, 9536098). Algorithms developed to predict the effect of sequence changes on RNA splicing suggest that this variant may disrupt the consensus splice site. In summary, the available evidence is currently insufficient to determine the role of this variant in disease. Therefore, it has been classified as a Variant of Uncertain Significance.

Literature cited by the submitters: PubMed 17576681; PubMed 9536098.

NM_003803.4(MYOM1):c.4340-3C>T

Gene: MYOM1 (myomesin 1; minus strand). Cytogenetic location: 18p11.31.
Variant type: single nucleotide variant.
Coding change: c.4340-3C>T on transcript NM_003803.4 (MANE Select); 3 bases into the intron before coding-DNA position 4340, C replaced by T.
Molecular consequence: intron variant.
Genome position (GRCh38, 1-based): chr18:3,084,030, G>A on the plus strand (C>T on the coding strand, the complement: MYOM1 is on the minus strand). VCF-style: chr18-3084030-G-A. GRCh37 (hg19) VCF-style: chr18-3084028-G-A.
Other names: c.4052-3C>T (NM_019856.2).
Identifiers: ClinVar variation 1413402 (VCV001413402.6), dbSNP rs1314554873, ClinGen allele CA628059395.